The following is an entry in ClinVar:

NM_020717.5(SHROOM4):c.4066G>A (p.Val1356Ile)

Gene: SHROOM4 (shroom family member 4; minus strand). Cytogenetic location: Xp11.22.
Variant type: single nucleotide variant.
Coding change: c.4066G>A on transcript NM_020717.5 (MANE Select); coding-DNA position 4066, G replaced by A.
Protein change: p.Val1356Ile; replaces valine 1356 with isoleucine.
Molecular consequence: missense variant. On other transcripts: non-coding transcript variant (4).
Genome position (GRCh38, 1-based): chrX:50,598,412, C>T on the plus strand (G>A on the coding strand, the complement: SHROOM4 is on the minus strand). VCF-style: chrX-50598412-C-T. GRCh37 (hg19) VCF-style: chrX-50341412-C-T.
Other names: short protein forms V1356I.
Identifiers: ClinVar variation 212181 (VCV000212181.19), dbSNP rs137923286, ClinGen allele CA207326.
Genomic context (GRCh38, chrX:50,598,412, plus strand): 5'-CCACTTTGTCCAGGTCCCCAACAAACAAGTGGTACTTTTCAAATTCATTGGATTTGCAGA[C>T]GGCTTTTAAGTTGGCCTCCACCTCCTCCCCAAGGGCAGAATTGGCATTGATGTCCTCTAG-3'
Protein context (NP_065768.2, residues 1346-1366): GEEVEANLKA[Val1356Ile]CKSNEFEKYH

ClinVar aggregate classification (germline): Benign/Likely benign. Review status: criteria provided, multiple submitters, no conflicts (2 of 4 stars). 7 submissions from 7 submitters: Benign (3); Likely benign (3). 1 of the submissions does not count toward it. Last evaluated 2024-11-26.

Conditions:
SHROOM4-related disorder. Also called: SHROOM4-related condition.

Allele frequency attached by ClinVar (database versions not stated): gnomAD 0.00114 and 0.00105; TOPMed 0.00189; ExAC 0.00279; gnomAD exomes 0.00319 and 0.00081; 1000 Genomes Project 0.00344; 1000 Genomes Project 30x 0.00354; ESP Exome Variant Server 0.00009.
gnomAD v4.1: 1,022 of 1,207,779 alleles (0.085%); highest among the groups gnomAD compares: Admixed American, 1.7%; 5 homozygotes.

Submissions (7):

Blueprint Genetics
Classification: Likely benign. Last evaluated: 2024-11-26. Review status: criteria provided, single submitter. Criteria: ACMG Guidelines, 2015. Collection method: clinical testing. Allele origin: germline.

Labcorp Genetics (formerly Invitae), Labcorp
Classification: Benign. Last evaluated: 2019-12-31. Review status: criteria provided, single submitter. Criteria: Invitae Variant Classification Sherloc (09022015). Collection method: clinical testing. Allele origin: germline.

Ambry Genetics
Classification: Benign. Last evaluated: 2018-03-01. Review status: criteria provided, single submitter. Criteria: Ambry Variant Classification Scheme 2023. Collection method: clinical testing. Allele origin: germline.

Center for Pediatric Genomic Medicine, Children's Mercy Hospital and Clinics
Classification: Likely benign. Last evaluated: 2017-06-20. Review status: criteria provided, single submitter. Criteria: ACMG Guidelines, 2015. Collection method: clinical testing. Allele origin: germline.

Genetic Services Laboratory, University of Chicago
Classification: Benign. Last evaluated: 2016-02-09. Review status: criteria provided, single submitter. Criteria: ACMG Guidelines, 2015. Collection method: clinical testing. Allele origin: germline. Affected: no.

Breakthrough Genomics
Classification: Likely benign. Review status: criteria provided, single submitter. Criteria: ACMG Guidelines, 2015. Collection method: not provided. Allele origin: germline. Inheritance: Unknown mechanism. Affected: yes.

PreventionGenetics, part of Exact Sciences
Classification: Likely benign for SHROOM4-related condition. Last evaluated: 2020-01-13. Review status: no assertion criteria provided. Collection method: clinical testing. Allele origin: germline. Not counted in ClinVar's aggregate classification.
Comment: This variant is classified as likely benign based on ACMG/AMP sequence variant interpretation guidelines (Richards et al. 2015 PMID: 25741868, with internal and published modifications).